The following is an entry in ClinVar:

NM_152703.5(SAMD9L):c.1485_1493del (p.Trp495_Phe497del)

Gene: SAMD9L (sterile alpha motif domain containing 9 like; minus strand). Cytogenetic location: 7q21.2.
Variant type: Deletion.
Coding change: c.1485_1493del on transcript NM_152703.5 (MANE Select); coding-DNA positions 1485 to 1493, 9 bases deleted (GATTTTCTG; older notation c.1485_1493delGATTTTCTG).
Protein change: p.Trp495_Phe497del.
Molecular consequence: inframe deletion.
Genome position (GRCh38, 1-based): chr7:93,134,479-93,134,487, CAGAAAATC deleted on the plus strand (GATTTTCTG on the coding strand, the reverse complement: SAMD9L is on the minus strand); deleting any 9 consecutive bases within chr7:93,134,479-93,134,490 gives the same sequence; the c. name uses the placement nearest the transcript's 3' end. VCF-style (leftmost placement, unchanged base first): chr7-93134478-GCAGAAAATC-G. GRCh37 (hg19) VCF-style: chr7-92763791-GCAGAAAATC-G.
Other names: c.1485_1493del, p.Trp495_Phe497del (NM_001303496.3, NM_001303497.3, NM_001303498.3 and 5 more transcripts).
Identifiers: ClinVar variation 2110504 (VCV002110504.4), dbSNP rs2535427770, ClinGen allele CA2580077851.

ClinVar aggregate classification (germline): Uncertain significance (1 of 4 stars; one submission).

Submission:

Labcorp Genetics (formerly Invitae), Labcorp
Classification: Uncertain significance. Last evaluated: 2023-10-13. Review status: criteria provided, single submitter. Criteria: Invitae Variant Classification Sherloc (09022015). Collection method: clinical testing. Allele origin: germline.
Comment: This variant, c.1485_1493del, results in the deletion of 3 amino acid(s) of the SAMD9L protein (p.Trp495_Phe497del), but otherwise preserves the integrity of the reading frame. This variant is not present in population databases (gnomAD no frequency). This variant has not been reported in the literature in individuals affected with SAMD9L-related conditions. ClinVar contains an entry for this variant (Variation ID: 2110504). Experimental studies and prediction algorithms are not available or were not evaluated, and the functional significance of this variant is currently unknown. In summary, the available evidence is currently insufficient to determine the role of this variant in disease. Therefore, it has been classified as a Variant of Uncertain Significance.